The following is an entry in ClinVar:

NM_006514.4(SCN10A):c.4312G>A (p.Glu1438Lys)

Gene: SCN10A (sodium voltage-gated channel alpha subunit 10; minus strand). Cytogenetic location: 3p22.2.
Variant type: single nucleotide variant.
Coding change: c.4312G>A on transcript NM_006514.4 (MANE Select); coding-DNA position 4312, G replaced by A.
Protein change: p.Glu1438Lys; replaces glutamic acid 1438 with lysine.
Molecular consequence: missense variant.
Genome position (GRCh38, 1-based): chr3:38,707,353, C>T on the plus strand (G>A on the coding strand, the complement: SCN10A is on the minus strand). VCF-style: chr3-38707353-C-T. GRCh37 (hg19) VCF-style: chr3-38748844-C-T.
Other names: c.4309G>A, p.Glu1437Lys (NM_001293306.2); c.4018G>A, p.Glu1340Lys (NM_001293307.2); short protein forms E1340K, E1437K, E1438K.
Identifiers: ClinVar variation 1739643 (VCV001739643.5), dbSNP rs370610736, ClinGen allele CA2319935.

ClinVar aggregate classification (germline): Uncertain significance. Review status: criteria provided, multiple submitters, no conflicts (2 of 4 stars). 2 submissions from 2 submitters: Uncertain significance (2). Last evaluated 2026-01-26.

Conditions:
Brugada syndrome. Also called: Sudden unexpected nocturnal death syndrome; Sudden unexplained nocturnal death syndrome; Sudden Unexplained Death Syndrome; Sudden Unexplained Nocturnal Death Syndrome (SUNDS). Identifiers: Orphanet 130, MedGen C1142166, MONDO:0015263.
Cardiovascular phenotype. Identifiers: MedGen CN230736.

Allele frequency attached by ClinVar (database versions not stated): ExAC 0.00001; gnomAD exomes below 0.00001; ESP Exome Variant Server 0.00008.
gnomAD v4.1: 7 of 1,613,996 alleles (0.00043%); highest among the groups gnomAD compares: Non-Finnish European, 0.00059%; no homozygotes.

Submissions (2):

Labcorp Genetics (formerly Invitae), Labcorp
Classification: Uncertain significance for Brugada syndrome. Last evaluated: 2026-01-26. Review status: criteria provided, single submitter. Criteria: Invitae Variant Classification Sherloc (09022015). Collection method: clinical testing. Allele origin: germline.
Comment: This sequence change replaces glutamic acid, which is acidic and polar, with lysine, which is basic and polar, at codon 1438 of the SCN10A protein (p.Glu1438Lys). This variant is present in population databases (rs370610736, gnomAD 0.002%). This variant has not been reported in the literature in individuals affected with SCN10A-related conditions. ClinVar contains an entry for this variant (Variation ID: 1739643). Invitae Evidence Modeling of protein sequence and biophysical properties (such as structural, functional, and spatial information, amino acid conservation, physicochemical variation, residue mobility, and thermodynamic stability) has been performed for this missense variant. However, the output from this modeling did not meet the statistical confidence thresholds required to predict the impact of this variant on SCN10A protein function. In summary, the available evidence is currently insufficient to determine the role of this variant in disease. Therefore, it has been classified as a Variant of Uncertain Significance.

Ambry Genetics
Classification: Uncertain significance for Cardiovascular phenotype. Last evaluated: 2025-08-20. Review status: criteria provided, single submitter. Criteria: Ambry Variant Classification Scheme 2023. Collection method: clinical testing. Allele origin: germline.